The following is an entry in ClinVar:

ClinVar aggregate classification (germline): Benign (1 of 4 stars; one submission).

Allele frequency attached by ClinVar (database versions not stated): 1000 Genomes Project 30x 0.00406; 1000 Genomes Project 0.00419; ESP Exome Variant Server 0.00960.
gnomAD v4.1: 19,427 of 1,614,172 alleles (1.2%); highest among the groups gnomAD compares: Non-Finnish European, 1.4%; 169 homozygotes.

Submission:

CeGaT Center for Human Genetics Tuebingen
Classification: Benign. Last evaluated: 2026-09-01. Review status: criteria provided, single submitter. Criteria: CeGaT Center For Human Genetics Tuebingen Variant Classification Criteria Version 2. Collection method: clinical testing. Allele origin: germline. Affected: yes. Observed: 9 variant alleles.
Comment: BCAS3: BP4, BP7, BS1, BS2

NM_017679.5(BCAS3):c.1416G>A (p.Thr472=)

Gene: BCAS3 (BCAS3 microtubule associated cell migration factor; plus strand). Cytogenetic location: 17q23.2.
Variant type: single nucleotide variant.
Coding change: c.1416G>A on transcript NM_017679.5 (MANE Select); coding-DNA position 1416, G replaced by A.
Protein change: p.Thr472=; no amino-acid change (threonine 472 retained).
Molecular consequence: synonymous variant.
Genome position (GRCh38, 1-based): chr17:60,990,165, G>A. VCF-style: chr17-60990165-G-A. GRCh37 (hg19) VCF-style: chr17-59067526-G-A.
Other names: c.1416G>A, p.Thr472= (NM_001099432.3, NM_001320470.3, NM_001330413.2 and 4 more transcripts).
Identifiers: ClinVar variation 2647995 (VCV002647995.24), dbSNP rs36055285, ClinGen allele CA8688360.